The following is an entry in ClinVar:

NM_001264.5(CDSN):c.191_192delinsCC (p.Gly64Ala)

Genes: CDSN (corneodesmosin; minus strand), PSORS1C1 (psoriasis susceptibility 1 candidate 1; plus strand). Cytogenetic location: 6p21.33.
Variant type: Indel.
Coding change: c.191_192delinsCC on transcript NM_001264.5 (MANE Select); coding-DNA positions 191 to 192, GT replaced by CC.
Protein change: p.Gly64Ala; replaces glycine 64 with alanine.
Molecular consequence: missense variant. On other transcripts: intron variant (1).
Genome position (GRCh38, 1-based): chr6:31,117,423-31,117,424, AC replaced by GG on the plus strand (GT replaced by CC on the coding strand, the reverse complement: CDSN is on the minus strand). VCF-style: chr6-31117423-AC-GG. GRCh37 (hg19) VCF-style: chr6-31085200-AC-GG.
Other names: c.-229+2532_-229+2533delinsGG (NM_014068.3); short protein forms G64A.
Identifiers: ClinVar variation 2975335 (VCV002975335.3), dbSNP rs2481092309, ClinGen allele CA2740094285.
Genomic context (GRCh38, chr6:31,117,423, plus strand): 5'-AGAGCTTCTGGCACTGGAAATGGAGCTGCCAGAACTGCTGGAGCCACTGTAGCTACTGAA[AC>GG]CGCTGGAGTCACCCTTCCCAGTGAGGCAGGGGTCGTTAGGGGAGGTGATACGCGTGGGGT-3'
Protein context (NP_001255.4, residues 54-74): PCLTGKGDSS[Gly64Ala]FSSYSGSSSS

ClinVar aggregate classification (germline): Uncertain significance (1 of 4 stars; one submission).

Submission:

Labcorp Genetics (formerly Invitae), Labcorp
Classification: Uncertain significance. Last evaluated: 2023-12-19. Review status: criteria provided, single submitter. Criteria: Invitae Variant Classification Sherloc (09022015). Collection method: clinical testing. Allele origin: germline.
Comment: This sequence change replaces glycine, which is neutral and non-polar, with alanine, which is neutral and non-polar, at codon 64 of the CDSN protein (p.Gly64Ala). This variant is not present in population databases (gnomAD no frequency). This variant has not been reported in the literature in individuals affected with CDSN-related conditions. Experimental studies and prediction algorithms are not available or were not evaluated, and the functional significance of this variant is currently unknown. In summary, the available evidence is currently insufficient to determine the role of this variant in disease. Therefore, it has been classified as a Variant of Uncertain Significance.